The following is an entry in ClinVar:

NM_000038.6(APC):c.2914G>A (p.Gly972Ser)

Gene: APC (APC regulator of Wnt signaling pathway; plus strand). Cytogenetic location: 5q22.2.
Variant type: single nucleotide variant.
Coding change: c.2914G>A on transcript NM_000038.6 (MANE Select); coding-DNA position 2914, G replaced by A.
Protein change: p.Gly972Ser; replaces glycine 972 with serine.
Molecular consequence: missense variant.
Genome position (GRCh38, 1-based): chr5:112,838,508, G>A. VCF-style: chr5-112838508-G-A. GRCh37 (hg19) VCF-style: chr5-112174205-G-A.
Other names: c.2914G>A, p.Gly972Ser (NM_001127510.3, NM_001354895.2); c.2860G>A, p.Gly954Ser (NM_001127511.3); c.2968G>A, p.Gly990Ser (NM_001354896.2); c.2944G>A, p.Gly982Ser (NM_001354897.2); c.2839G>A, p.Gly947Ser (NM_001354898.2); c.2830G>A, p.Gly944Ser (NM_001354899.2); c.2791G>A, p.Gly931Ser (NM_001354900.2); c.2737G>A, p.Gly913Ser (NM_001354901.2); and 5 more; short protein forms G954S, G972S, G812S, G871S, G931S, G689S, G846S, G944S.
Identifiers: ClinVar variation 568446 (VCV000568446.15), dbSNP rs750556498, ClinGen allele CA033918.

ClinVar aggregate classification (germline): Uncertain significance. Review status: criteria provided, multiple submitters, no conflicts (2 of 4 stars). 4 submissions from 4 submitters: Uncertain significance (4). Last evaluated 2026-01-15.

Conditions:
Hereditary cancer-predisposing syndrome. Also called: Neoplastic Syndromes, Hereditary; Tumor predisposition; Hereditary neoplastic syndrome; Hereditary Cancer Syndrome. Identifiers: Orphanet 140162, MedGen C0027672, MeSH D009386, MONDO:0015356.
Familial adenomatous polyposis 1 (FAP1). Also called: FAMILIAL ADENOMATOUS POLYPOSIS 1, ATTENUATED; POLYPOSIS, ADENOMATOUS INTESTINAL. Identifiers: MedGen C2713442, MONDO:0021056, OMIM 175100. Disease mechanism: loss of function.

Allele frequency attached by ClinVar (database versions not stated): gnomAD exomes below 0.00001 and 0.00001; TOPMed below 0.00001; ExAC 0.00001.
gnomAD v4.1: 2 of 1,614,166 alleles (0.00012%); highest among the groups gnomAD compares: African/African-American, 0.0013%; no homozygotes.

Submissions (4):

Labcorp Genetics (formerly Invitae), Labcorp
Classification: Uncertain significance for Familial adenomatous polyposis 1. Last evaluated: 2026-01-15. Review status: criteria provided, single submitter. Criteria: Invitae Variant Classification Sherloc (09022015). Collection method: clinical testing. Allele origin: germline.
Comment: This sequence change replaces glycine, which is neutral and non-polar, with serine, which is neutral and polar, at codon 972 of the APC protein (p.Gly972Ser). This variant is present in population databases (rs750556498, gnomAD 0.007%). This variant has not been reported in the literature in individuals affected with APC-related conditions. ClinVar contains an entry for this variant (Variation ID: 568446). Invitae Evidence Modeling of protein sequence and biophysical properties (such as structural, functional, and spatial information, amino acid conservation, physicochemical variation, residue mobility, and thermodynamic stability) has been performed for this missense variant. However, the output from this modeling did not meet the statistical confidence thresholds required to predict the impact of this variant on APC protein function. In summary, the available evidence is currently insufficient to determine the role of this variant in disease. Therefore, it has been classified as a Variant of Uncertain Significance.

Baylor Genetics
Classification: Uncertain significance for Familial adenomatous polyposis 1. Last evaluated: 2024-02-11. Review status: criteria provided, single submitter. Criteria: ACMG Guidelines, 2015. Collection method: clinical testing. Allele origin: unknown.

GeneDx
Classification: Uncertain significance. Last evaluated: 2023-05-30. Review status: criteria provided, single submitter. Criteria: GeneDx Variant Classification Process June 2021. Collection method: clinical testing. Allele origin: germline. Affected: yes.
Comment: Not observed at significant frequency in large population cohorts (gnomAD); In silico analysis supports that this missense variant has a deleterious effect on protein structure/function; Has not been previously published as pathogenic or benign to our knowledge

Ambry Genetics
Classification: Uncertain significance for Hereditary cancer-predisposing syndrome. Last evaluated: 2023-04-09. Review status: criteria provided, single submitter. Criteria: Ambry Variant Classification Scheme 2023. Collection method: clinical testing. Allele origin: germline.
Comment: The p.G972S variant (also known as c.2914G>A), located in coding exon 15 of the APC gene, results from a G to A substitution at nucleotide position 2914. The glycine at codon 972 is replaced by serine, an amino acid with similar properties. This amino acid position is conserved. In addition, in silico predictors for this gene do not accurately predict pathogenicity. Since supporting evidence is limited at this time, the clinical significance of this alteration remains unclear.